The following is an entry in ClinVar:

NC_012920.1(MT-ATP6):m.8702C>T

Gene: MT-ATP6 (mitochondrially encoded ATP synthase 6; plus strand).
Variant type: single nucleotide variant.
Genome position: chrM-8702-C-T.
Identifiers: ClinVar variation 692956 (VCV000692956.1), dbSNP rs1603221713, ClinGen allele CA414797539.

ClinVar aggregate classification (germline): Benign (1 of 4 stars; one submission).

Conditions:
Leigh syndrome (NULS). Also called: Leigh's necrotizing encephalopathy; Leigh's disease; Leigh Syndrome (mtDNA deletion); Leigh Disease; Subacute necrotizing encephalopathy; Necrotizing encephalopathy infantile subacute of Leigh. Identifiers: Orphanet 506, MedGen C2931891, MONDO:0009723, OMIM 256000.

Submission:

Wong Mito Lab, Molecular and Human Genetics, Baylor College of Medicine
Classification: Benign for Leigh syndrome. Last evaluated: 2019-10-17. Review status: criteria provided, single submitter. Criteria: Modified ACMG Guidelines (Unpublished). Collection method: clinical testing. Allele origin: germline.
Comment: The NC_012920.1:m.8702C>T (YP_003024031.1:p.Thr59Ile) variant in MTATP6 gene is interpretated to be a Benign variant based on the modified ACMG guidelines (unpublished). This variant meets the following evidence codes: BS1, BS2